The following is an entry in ClinVar:

NM_000038.6(APC):c.2439T>A (p.Asn813Lys)

Gene: APC (APC regulator of Wnt signaling pathway; plus strand). Cytogenetic location: 5q22.2.
Variant type: single nucleotide variant.
Coding change: c.2439T>A on transcript NM_000038.6 (MANE Select); coding-DNA position 2439, T replaced by A.
Protein change: p.Asn813Lys; replaces asparagine 813 with lysine.
Molecular consequence: missense variant.
Genome position (GRCh38, 1-based): chr5:112,838,033, T>A. VCF-style: chr5-112838033-T-A. GRCh37 (hg19) VCF-style: chr5-112173730-T-A.
Other names: c.2439T>A, p.Asn813Lys (NM_001127510.3, NM_001354895.2); c.2385T>A, p.Asn795Lys (NM_001127511.3); c.2493T>A, p.Asn831Lys (NM_001354896.2); c.2469T>A, p.Asn823Lys (NM_001354897.2); c.2364T>A, p.Asn788Lys (NM_001354898.2); c.2355T>A, p.Asn785Lys (NM_001354899.2); c.2316T>A, p.Asn772Lys (NM_001354900.2); c.2262T>A, p.Asn754Lys (NM_001354901.2); and 5 more; short protein forms N795K, N813K, N653K, N785K, N530K, N722K, N772K, N788K.
Identifiers: ClinVar variation 489422 (VCV000489422.12), dbSNP rs1554084165, ClinGen allele CA16026690.

ClinVar aggregate classification (germline): Uncertain significance. Review status: criteria provided, multiple submitters, no conflicts (2 of 4 stars). 3 submissions from 3 submitters: Uncertain significance (3). Last evaluated 2026-07-24.

Conditions:
Hereditary cancer-predisposing syndrome. Also called: Neoplastic Syndromes, Hereditary; Hereditary neoplastic syndrome; Hereditary Cancer Syndrome; Tumor predisposition. Identifiers: Orphanet 140162, MedGen C0027672, MeSH D009386, MONDO:0015356.
Familial adenomatous polyposis 1 (FAP1). Also called: POLYPOSIS, ADENOMATOUS INTESTINAL; FAMILIAL ADENOMATOUS POLYPOSIS 1, ATTENUATED. Identifiers: MedGen C2713442, MONDO:0021056, OMIM 175100. Disease mechanism: loss of function.

Allele frequency attached by ClinVar (database versions not stated): gnomAD exomes below 0.00001.
gnomAD v4.1: 3 of 1,614,146 alleles (0.00019%); highest among the groups gnomAD compares: Non-Finnish European, 0.00025%; no homozygotes.

Submissions (3):

Ambry Genetics
Classification: Uncertain significance for Hereditary cancer-predisposing syndrome. Last evaluated: 2026-07-24. Review status: criteria provided, single submitter. Criteria: Ambry Variant Classification Scheme 2023. Collection method: clinical testing. Allele origin: germline.
Comment: The p.N813K variant (also known as c.2439T>A), located in coding exon 15 of the APC gene, results from a T to A substitution at nucleotide position 2439. The asparagine at codon 813 is replaced by lysine, an amino acid with similar properties. This amino acid position is conserved. In addition, in silico predictors for this gene do not accurately predict pathogenicity. Based on the available evidence, the clinical significance of this variant remains unclear.

Color Diagnostics, LLC DBA Color Health
Classification: Uncertain significance for Hereditary cancer-predisposing syndrome. Last evaluated: 2023-12-05. Review status: criteria provided, single submitter. Criteria: ACMG Guidelines, 2015. Collection method: clinical testing. Allele origin: germline.
Comment: This missense variant replaces asparagine with lysine at codon 813 of the APC protein. Computational prediction suggests that this variant may not impact protein structure and function (internally defined REVEL score threshold <= 0.5, PMID: 27666373). To our knowledge, functional studies have not been reported for this variant. This variant has not been reported in individuals affected with APC-related disorders in the literature. This variant has not been identified in the general population by the Genome Aggregation Database (gnomAD). The available evidence is insufficient to determine the role of this variant in disease conclusively. Therefore, this variant is classified as a Variant of Uncertain Significance.

Labcorp Genetics (formerly Invitae), Labcorp
Classification: Uncertain significance for Familial adenomatous polyposis 1. Last evaluated: 2022-07-05. Review status: criteria provided, single submitter. Criteria: Invitae Variant Classification Sherloc (09022015). Collection method: clinical testing. Allele origin: germline.
Comment: ClinVar contains an entry for this variant (Variation ID: 489422). This sequence change replaces asparagine, which is neutral and polar, with lysine, which is basic and polar, at codon 813 of the APC protein (p.Asn813Lys). This variant is not present in population databases (gnomAD no frequency). This variant has not been reported in the literature in individuals affected with APC-related conditions. Algorithms developed to predict the effect of missense changes on protein structure and function are either unavailable or do not agree on the potential impact of this missense change (SIFT: "Deleterious"; PolyPhen-2: "Benign"; Align-GVGD: "Class C0"). In summary, the available evidence is currently insufficient to determine the role of this variant in disease. Therefore, it has been classified as a Variant of Uncertain Significance.